The following is an entry in ClinVar:

ClinVar aggregate classification (germline): Uncertain significance. Review status: criteria provided, multiple submitters, no conflicts (2 of 4 stars). 2 submissions from 2 submitters: Uncertain significance (2). Last evaluated 2023-12-26.

Conditions:
Inborn genetic diseases. Identifiers: MedGen C0950123, MeSH D030342.
Nephronophthisis 18 (NPHP18). Identifiers: Orphanet 655, MedGen C3890591, MONDO:0014374, OMIM 615862.

Allele frequency attached by ClinVar (database versions not stated): gnomAD 0.00004 and 0.00005; gnomAD exomes 0.00004 and 0.00010; TOPMed 0.00005; ExAC 0.00006; ESP Exome Variant Server 0.00009; 1000 Genomes Project 30x 0.00016; 1000 Genomes Project 0.00020.
gnomAD v4.1: 151 of 1,585,248 alleles (0.0095%); highest among the groups gnomAD compares: Non-Finnish European, 0.012%; no homozygotes.

Submissions (2):

Ambry Genetics
Classification: Uncertain significance for Inborn genetic diseases. Last evaluated: 2023-12-26. Review status: criteria provided, single submitter. Criteria: Ambry Variant Classification Scheme 2023. Collection method: clinical testing. Allele origin: germline.

Labcorp Genetics (formerly Invitae), Labcorp
Classification: Uncertain significance for Nephronophthisis 18. Last evaluated: 2021-12-02. Review status: criteria provided, single submitter. Criteria: Invitae Variant Classification Sherloc (09022015). Collection method: clinical testing. Allele origin: germline.
Comment: ClinVar contains an entry for this variant (Variation ID: 844499). This variant has not been reported in the literature in individuals affected with CEP83-related conditions. This variant is present in population databases (rs183654043, gnomAD 0.008%). This sequence change replaces valine, which is neutral and non-polar, with methionine, which is neutral and non-polar, at codon 456 of the CEP83 protein (p.Val456Met). Algorithms developed to predict the effect of missense changes on protein structure and function output the following: SIFT: "Not Available"; PolyPhen-2: "Benign"; Align-GVGD: "Not Available". The methionine amino acid residue is found in multiple mammalian species, which suggests that this missense change does not adversely affect protein function. In summary, the available evidence is currently insufficient to determine the role of this variant in disease. Therefore, it has been classified as a Variant of Uncertain Significance.

NM_016122.3(CEP83):c.1366G>A (p.Val456Met)

Gene: CEP83 (centrosomal protein 83; minus strand). Cytogenetic location: 12q22.
Variant type: single nucleotide variant.
Coding change: c.1366G>A on transcript NM_016122.3 (MANE Select); coding-DNA position 1366, G replaced by A.
Protein change: p.Val456Met; replaces valine 456 with methionine.
Molecular consequence: missense variant. On other transcripts: non-coding transcript variant (2).
Genome position (GRCh38, 1-based): chr12:94,335,642, C>T on the plus strand (G>A on the coding strand, the complement: CEP83 is on the minus strand). VCF-style: chr12-94335642-C-T. GRCh37 (hg19) VCF-style: chr12-94729418-C-T.
Other names: c.1366G>A, p.Val456Met (NM_001042399.2, NM_001346457.2, NM_001368037.1 and 1 more transcripts); c.1054G>A, p.Val352Met (NM_001346458.2, NM_001346459.2, NM_001368039.1 and 1 more transcripts); c.1141G>A, p.Val381Met (NM_001368041.1); short protein forms V381M, V352M, V456M.
Identifiers: ClinVar variation 844499 (VCV000844499.8), dbSNP rs183654043, ClinGen allele CA6721660.